The following is an entry in ClinVar:

NM_178857.6(RP1L1):c.2237C>T (p.Ser746Leu)

Gene: RP1L1 (RP1 like 1). Cytogenetic location: 8p23.1.
Variant type: single nucleotide variant.
Coding change: c.2237C>T on transcript NM_178857.6 (MANE Select); coding-DNA position 2237, C replaced by T.
Protein change: p.Ser746Leu; replaces serine 746 with leucine.
Molecular consequence: missense variant.
Genome position (GRCh38, 1-based): chr8:10,611,861, G>A on the plus strand (C>T on the coding strand, the complement: RP1L1 is on the minus strand). VCF-style: chr8-10611861-G-A. GRCh37 (hg19) VCF-style: chr8-10469371-G-A.
Other names: c.2237C>T (NM_178857.5); short protein forms S746L.
Identifiers: ClinVar variation 3028031 (VCV003028031.4), dbSNP rs746913234, ClinGen allele CA4624906.

ClinVar aggregate classification (germline): Uncertain significance. Review status: criteria provided, multiple submitters, no conflicts (2 of 4 stars). 4 submissions from 4 submitters: Uncertain significance (4). Last evaluated 2025-03-14.

Conditions:
Retinal dystrophy. Also called: Inherited retinal dystrophy. Identifiers: Orphanet 71862, MedGen C0854723, MeSH D058499, MONDO:0019118, HP:0000556.
RP1L1-related disorder. Also called: RP1L1-related condition.
Inborn genetic diseases. Identifiers: MedGen C0950123, MeSH D030342.

Allele frequency attached by ClinVar (database versions not stated): gnomAD 0.00003; gnomAD exomes 0.00003; TOPMed 0.00003; ExAC 0.00007.
gnomAD v4.1: 47 of 1,613,698 alleles (0.0029%); highest among the groups gnomAD compares: South Asian, 0.02%; no homozygotes.

Submissions (4):

PreventionGenetics, part of Exact Sciences
Classification: Uncertain significance for RP1L1-related condition. Last evaluated: 2025-03-14. Review status: criteria provided, single submitter. Criteria: ACMG Guidelines, 2015. Collection method: clinical testing. Allele origin: germline.
Comment: The RP1L1 c.2237C>T variant is predicted to result in the amino acid substitution p.Ser746Leu. To our knowledge, this variant has not been reported in the literature. This variant is reported in 0.025% of alleles in individuals of Latino descent in gnomAD. At this time, the clinical significance of this variant is uncertain due to the absence of conclusive functional and genetic evidence.

Ambry Genetics
Classification: Uncertain significance for Inborn genetic diseases. Last evaluated: 2024-09-04. Review status: criteria provided, single submitter. Criteria: Ambry Variant Classification Scheme 2023. Collection method: clinical testing. Allele origin: germline.

Dept Of Ophthalmology, Nagoya University
Classification: Uncertain significance for Retinal dystrophy. Last evaluated: 2023-10-01. Review status: criteria provided, single submitter. Criteria: Submitter's publication. Collection method: research. Allele origin: germline. Affected: yes.

Blueprint Genetics
Classification: Uncertain significance. Last evaluated: 2023-03-23. Review status: criteria provided, single submitter. Criteria: ACMG Guidelines, 2015. Collection method: clinical testing. Allele origin: germline.